The following is an entry in ClinVar:

ClinVar aggregate classification (germline): Likely benign (1 of 4 stars; one submission).

Conditions:
HTT-related disorder. Also called: HTT-related condition.

Submission:

PreventionGenetics, part of Exact Sciences
Classification: Likely benign for HTT-related condition. Last evaluated: 2019-06-14. Review status: criteria provided, single submitter. Criteria: ACMG Guidelines, 2015. Collection method: clinical testing. Allele origin: germline.
Comment: This variant is classified as likely benign based on ACMG/AMP sequence variant interpretation guidelines (Richards et al. 2015 PMID: 25741868, with internal and published modifications).

NM_001388492.1(HTT):c.8583G>A (p.Val2861=)

Gene: HTT (huntingtin; plus strand). Cytogenetic location: 4p16.3.
Variant type: single nucleotide variant.
Coding change: c.8583G>A on transcript NM_001388492.1 (MANE Select); coding-DNA position 8583, G replaced by A.
Protein change: p.Val2861=; no amino-acid change (valine 2861 retained).
Molecular consequence: synonymous variant.
Genome position (GRCh38, 1-based): chr4:3,235,576, G>A. VCF-style: chr4-3235576-G-A. GRCh37 (hg19) VCF-style: chr4-3237303-G-A.
Other names: c.8589G>A, p.Val2863= (NM_002111.8).
Identifiers: ClinVar variation 3046602 (VCV003046602.1), dbSNP rs2474089940, ClinGen allele CA438136920.